The following is an entry in ClinVar:

NM_023110.3(FGFR1):c.290_304dup (p.Cys101_Val102insGlyLeuTyrAlaCys)

Gene: FGFR1 (fibroblast growth factor receptor 1; minus strand). Cytogenetic location: 8p11.23.
Variant type: Duplication.
Coding change: c.290_304dup on transcript NM_023110.3 (MANE Select); coding-DNA positions 290 to 304, 15 bases duplicated (GCCTCTATGCTTGCG).
Protein change: p.Cys101_Val102insGlyLeuTyrAlaCys.
Molecular consequence: intron variant (on NM_001354368.2).
Genome position (GRCh38, 1-based): chr8:38,429,736-38,429,750, CGCAAGCATAGAGGC duplicated on the plus strand (GCCTCTATGCTTGCG on the coding strand, the reverse complement: FGFR1 is on the minus strand); duplicating any 15 consecutive bases within chr8:38,429,736-38,429,752 gives the same sequence; the c. name uses the placement nearest the transcript's 3' end. VCF-style (leftmost placement, unchanged base first): chr8-38429735-A-ACGCAAGCATAGAGGC. GRCh37 (hg19) VCF-style: chr8-38287253-A-ACGCAAGCATAGAGGC.
Other names: c.290_304dup, p.Cys101_Val102insGlyLeuTyrAlaCys (NM_001174063.2, NM_001174065.2, NM_001354367.2 and 3 more transcripts); c.266_280dup, p.Cys93_Val94insGlyLeuTyrAlaCys (NM_001174064.2); c.389_403dup, p.Cys134_Val135insGlyLeuTyrAlaCys (NM_001174067.2); c.92-1315_92-1301dup (NM_001354368.2, NM_001354370.2, NM_023106.3 and 2 more transcripts).
Identifiers: ClinVar variation 4787353 (VCV004787353.1).
Genomic context (GRCh38, chr8:38,429,735, plus strand): 5'-TACCAACCTGAAACATTGACGGAGAAGTAGGTGGTGTCACTGCCCGAGGGGCTGCTGGTT[A>ACGCAAGCATAGAGGC]CGCAAGCATAGAGGCCGGAGTCTGCGGGCACGGAGTCCTGCACCTCCACCTCCTCCCCTG-3'

ClinVar aggregate classification (germline): Uncertain significance (1 of 4 stars; one submission).

Conditions:
Hypogonadotropic hypogonadism 2 with or without anosmia (HH2). Also called: HYPOGONADOTROPIC HYPOGONADISM 2 WITHOUT ANOSMIA; FGFR1-Related GnRH Deficiency (Kallmann Syndrome 2); HYPOGONADOTROPIC HYPOGONADISM 2 WITH OR WITHOUT ANOSMIA, SUSCEPTIBILITY TO; HYPOGONADOTROPIC HYPOGONADISM 2 WITHOUT ANOSMIA, SUSCEPTIBILITY TO. Identifiers: Orphanet 478, MedGen C1563720, MONDO:0007844, OMIM 147950. Disease mechanism: loss of function.
Pfeiffer syndrome (ACS5). Also called: ACS V. Identifiers: Orphanet 710, MedGen C0220658, MONDO:0007043, OMIM 101600.

Submission:

Labcorp Genetics (formerly Invitae), Labcorp
Classification: Uncertain significance for Pfeiffer syndrome; Hypogonadotropic hypogonadism 2 with or without anosmia. Last evaluated: 2026-01-24. Review status: criteria provided, single submitter. Criteria: Invitae Variant Classification Sherloc (09022015). Collection method: clinical testing. Allele origin: germline.
Comment: This variant, c.290_304dup, results in the insertion of 5 amino acid(s) of the FGFR1 protein (p.Gly97_Cys101dup), but otherwise preserves the integrity of the reading frame. This variant is not present in population databases (gnomAD no frequency). This variant has not been reported in the literature in individuals affected with FGFR1-related conditions. Experimental studies and prediction algorithms are not available or were not evaluated, and the functional significance of this variant is currently unknown. In summary, the available evidence is currently insufficient to determine the role of this variant in disease. Therefore, it has been classified as a Variant of Uncertain Significance.